The following is an entry in ClinVar:

NM_014000.3(VCL):c.271G>A (p.Ala91Thr)

Gene: VCL (vinculin; plus strand). Cytogenetic location: 10q22.2.
Variant type: single nucleotide variant.
Coding change: c.271G>A on transcript NM_014000.3 (MANE Select); coding-DNA position 271, G replaced by A.
Protein change: p.Ala91Thr; replaces alanine 91 with threonine.
Molecular consequence: missense variant.
Genome position (GRCh38, 1-based): chr10:74,070,701, G>A. VCF-style: chr10-74070701-G-A. GRCh37 (hg19) VCF-style: chr10-75830459-G-A.
Other names: c.271G>A, p.Ala91Thr (NM_003373.4); short protein forms A91T.
Identifiers: ClinVar variation 3979529 (VCV003979529.1).

ClinVar aggregate classification (germline): Uncertain significance (1 of 4 stars; one submission).

Conditions:
Cardiovascular phenotype. Identifiers: MedGen CN230736.

Submission:

Ambry Genetics
Classification: Uncertain significance for Cardiovascular phenotype. Last evaluated: 2025-03-23. Review status: criteria provided, single submitter. Criteria: Ambry Variant Classification Scheme 2023. Collection method: clinical testing. Allele origin: germline.
Comment: The p.A91T variant (also known as c.271G>A), located in coding exon 3 of the VCL gene, results from a G to A substitution at nucleotide position 271. The alanine at codon 91 is replaced by threonine, an amino acid with similar properties. This amino acid position is conserved. In addition, this alteration is predicted to be deleterious by in silico analysis. Based on the available evidence, the clinical significance of this variant remains unclear.